The following is an entry in ClinVar:

ClinVar aggregate classification (germline): Uncertain significance (1 of 4 stars; one submission).

Submission:

Women's Health and Genetics/Laboratory Corporation of America, LabCorp
Classification: Uncertain significance. Last evaluated: 2025-02-17. Review status: criteria provided, single submitter. Criteria: LabCorp Variant Classification Summary - May 2015. Collection method: clinical testing. Allele origin: germline.
Comment: Variant summary: The variant involves the deletion of exons 18-32 in the SBF2 gene. A presumed nomenclature of c.(1929+1_1930-1)_(4443+1_4444-1)del has been designated for the purposes of this classification. This Copy Number Variant (CNV) is predicted to result in an in-frame deletion within this gene. The variant was absent in 21694 control chromosomes. The available data on variant occurrences in the general population are insufficient to allow any conclusion about variant significance. To our knowledge, no occurrence of c.(1929+1_1930-1)_(4443+1_4444-1)del in individuals affected with Charcot-Marie-Tooth disease type 4B2 and no experimental evidence demonstrating its impact on protein function have been reported. ClinVar contains an entry for this variant (Variation ID: 832210). Based on the evidence outlined above, the variant was classified as uncertain significance.

NC_000011.9:g.(9817505_9829546)_(9879944_9917489)del

Gene: SBF2 (SET binding factor 2; minus strand). Cytogenetic location: 11p15.4.
Variant type: Deletion.
Identifiers: ClinVar variation 3769022 (VCV003769022.1).